The following is an entry in ClinVar:

NM_004738.5(VAPB):c.719A>G (p.Lys240Arg)

Gene: VAPB (VAMP associated protein B and C; plus strand). Cytogenetic location: 20q13.32.
Variant type: single nucleotide variant.
Coding change: c.719A>G on transcript NM_004738.5 (MANE Select); coding-DNA position 719, A replaced by G.
Protein change: p.Lys240Arg; replaces lysine 240 with arginine.
Molecular consequence: missense variant. On other transcripts: 3 prime UTR variant (1), non-coding transcript variant (1).
Genome position (GRCh38, 1-based): chr20:58,444,222, A>G. VCF-style: chr20-58444222-A-G. GRCh37 (hg19) VCF-style: chr20-57019278-A-G.
Other names: c.*57A>G (NM_001195677.2); short protein forms K240R.
Identifiers: ClinVar variation 1960849 (VCV001960849.5), dbSNP rs547047347, ClinGen allele CA9924334.

ClinVar aggregate classification (germline): Uncertain significance (1 of 4 stars; one submission).

Conditions:
Amyotrophic lateral sclerosis type 8 (ALS8). Identifiers: Orphanet 803, MedGen C1837728, MONDO:0012077, OMIM 608627.
Adult-onset proximal spinal muscular atrophy, autosomal dominant. Also called: FINKEL LATE-ADULT TYPE SMA; Spinal muscular atrophy, late-onset, finkel type. Identifiers: Orphanet 209335, MedGen C1854058, MONDO:0008453, OMIM 182980.

Allele frequency attached by ClinVar (database versions not stated): gnomAD exomes below 0.00001; ExAC 0.00001; gnomAD 0.00001; 1000 Genomes Project 30x 0.00016; 1000 Genomes Project 0.00020.

Submission:

Labcorp Genetics (formerly Invitae), Labcorp
Classification: Uncertain significance for Adult-onset proximal spinal muscular atrophy, autosomal dominant; Amyotrophic lateral sclerosis type 8. Last evaluated: 2022-02-21. Review status: criteria provided, single submitter. Criteria: Invitae Variant Classification Sherloc (09022015). Collection method: clinical testing. Allele origin: germline.
Comment: In summary, the available evidence is currently insufficient to determine the role of this variant in disease. Therefore, it has been classified as a Variant of Uncertain Significance. Algorithms developed to predict the effect of missense changes on protein structure and function are either unavailable or do not agree on the potential impact of this missense change (SIFT: "Not Available"; PolyPhen-2: "Benign"; Align-GVGD: "Not Available"). This variant has not been reported in the literature in individuals affected with VAPB-related conditions. This variant is present in population databases (rs547047347, gnomAD 0.01%). This sequence change replaces lysine, which is basic and polar, with arginine, which is basic and polar, at codon 240 of the VAPB protein (p.Lys240Arg).